The following is an entry in ClinVar:

NM_001077418.3(TMEM231):c.248G>A (p.Trp83Ter)

Gene: TMEM231 (transmembrane protein 231; minus strand). Cytogenetic location: 16q23.1.
Variant type: single nucleotide variant.
Coding change: c.248G>A on transcript NM_001077418.3 (MANE Select); coding-DNA position 248, G replaced by A.
Protein change: p.Trp83Ter; replaces tryptophan 83 with a stop codon.
Molecular consequence: nonsense. On other transcripts: non-coding transcript variant (1).
Genome position (GRCh38, 1-based): chr16:75,555,865, C>T on the plus strand (G>A on the coding strand, the complement: TMEM231 is on the minus strand). VCF-style: chr16-75555865-C-T. GRCh37 (hg19) VCF-style: chr16-75589763-C-T.
Other names: c.407G>A, p.Trp136Ter (NM_001077416.2); short protein forms W136*, W83*.
Identifiers: ClinVar variation 1028502 (VCV001028502.5), dbSNP rs2080804101, ClinGen allele CA396808998.

ClinVar aggregate classification (germline): Pathogenic/Likely pathogenic. Review status: criteria provided, multiple submitters, no conflicts (2 of 4 stars). 3 submissions from 3 submitters: Pathogenic (1); Likely pathogenic (2). Last evaluated 2023-12-31.

Conditions:
Joubert syndrome 20 (JBTS20). Identifiers: Orphanet 475, MedGen C3554235, MONDO:0013994, OMIM 614970.
Meckel syndrome, type 11 (MKS11). Identifiers: Orphanet 564, MedGen C3809352, MONDO:0014164, OMIM 615397.
Joubert syndrome and related disorders. Identifiers: Orphanet 140874, MedGen C5679612, MONDO:0015369.

Allele frequency attached by ClinVar (database versions not stated): gnomAD exomes below 0.00001; TOPMed 0.00001.
gnomAD v4.1: 1 of 1,588,858 alleles (0.000063%); highest among the groups gnomAD compares: Non-Finnish European, 0.000086%; no homozygotes.

Submissions (3):

Labcorp Genetics (formerly Invitae), Labcorp
Classification: Pathogenic for Joubert syndrome 20; Meckel syndrome, type 11. Last evaluated: 2023-12-31. Review status: criteria provided, single submitter. Criteria: Invitae Variant Classification Sherloc (09022015). Collection method: clinical testing. Allele origin: germline.
Comment: This sequence change creates a premature translational stop signal (p.Trp136*) in the TMEM231 gene. It is expected to result in an absent or disrupted protein product. Loss-of-function variants in TMEM231 are known to be pathogenic (PMID: 23012439, 23349226). This variant is not present in population databases (gnomAD no frequency). This variant has not been reported in the literature in individuals affected with TMEM231-related conditions. ClinVar contains an entry for this variant (Variation ID: 1028502). For these reasons, this variant has been classified as Pathogenic.

Women's Health and Genetics/Laboratory Corporation of America, LabCorp
Classification: Likely pathogenic for Joubert syndrome and related disorders. Last evaluated: 2023-02-21. Review status: criteria provided, single submitter. Criteria: LabCorp Variant Classification Summary - May 2015. Collection method: clinical testing. Allele origin: germline.
Comment: Variant summary: TMEM231 c.407G>A (p.Trp136X) results in a premature termination codon, predicted to cause a truncation of the encoded protein or absence of the protein due to nonsense mediated decay, which are commonly known mechanisms for disease. Truncations downstream of this position have been classified as pathogenic by our laboratory. The variant was absent in 210808 control chromosomes (gnomAD). To our knowledge, no occurrence of c.407G>A in individuals affected with Joubert Syndrome And Related Disorders and no experimental evidence demonstrating its impact on protein function have been reported. One clinical diagnostic laboratory has submitted clinical-significance assessments for this variant to ClinVar after 2014, and classified the variant as likely pathogenic. Based on the evidence outlined above, the variant was classified as likely pathogenic.

Baylor Genetics
Classification: Likely pathogenic for Joubert syndrome 20. Last evaluated: 2019-07-12. Review status: criteria provided, single submitter. Criteria: ACMG Guidelines, 2015. Collection method: clinical testing. Allele origin: maternal. Affected: yes.
Comment: This variant was determined to be likely pathogenic according to ACMG Guidelines, 2015 [PMID:25741868].

Literature cited by the submitters: PubMed 23012439 (cited by Labcorp Genetics (formerly Invitae), Labcorp); PubMed 23349226 (cited by Labcorp Genetics (formerly Invitae), Labcorp).